The following is an entry in ClinVar:

ClinVar aggregate classification (germline): Uncertain significance. Review status: criteria provided, multiple submitters, no conflicts (2 of 4 stars). 3 submissions from 3 submitters: Uncertain significance (3). Last evaluated 2023-04-11.

Conditions:
Microcephaly 5, primary, autosomal recessive (MCPH5). Also called: ASPM Primary Microcephaly. Identifiers: Orphanet 2512, MedGen C1837501, MONDO:0012106, OMIM 608716.

Allele frequency attached by ClinVar (database versions not stated): gnomAD below 0.00001 and 0.00001; TOPMed 0.00002; gnomAD exomes 0.00005.
gnomAD v4.1: 66 of 1,613,770 alleles (0.0041%); highest among the groups gnomAD compares: East Asian, 0.038%; no homozygotes.

Submissions (3):

Genome-Nilou Lab
Classification: Uncertain significance for Microcephaly 5, primary, autosomal recessive. Last evaluated: 2023-04-11. Review status: criteria provided, single submitter. Criteria: ACMG Guidelines, 2015. Collection method: clinical testing. Allele origin: germline. Affected: no.

CeGaT Center for Human Genetics Tuebingen
Classification: Uncertain significance. Last evaluated: 2023-04-01. Review status: criteria provided, single submitter. Criteria: CeGaT Center For Human Genetics Tuebingen Variant Classification Criteria Version 2. Collection method: clinical testing. Allele origin: germline. Affected: yes. Observed: 1 variant allele.
Comment: ASPM: PM2

Illumina Laboratory Services, Illumina
Classification: Uncertain significance for Microcephaly 5, primary, autosomal recessive. Last evaluated: 2018-01-12. Review status: criteria provided, single submitter. Criteria: ICSL Variant Classification Criteria 13 December 2019. Collection method: clinical testing. Allele origin: germline.

NM_018136.5(ASPM):c.2042C>T (p.Pro681Leu)

Gene: ASPM (assembly factor for spindle microtubules; minus strand). Cytogenetic location: 1q31.3.
Variant type: single nucleotide variant.
Coding change: c.2042C>T on transcript NM_018136.5 (MANE Select); coding-DNA position 2042, C replaced by T.
Protein change: p.Pro681Leu; replaces proline 681 with leucine.
Molecular consequence: missense variant.
Genome position (GRCh38, 1-based): chr1:197,135,227, G>A on the plus strand (C>T on the coding strand, the complement: ASPM is on the minus strand). VCF-style: chr1-197135227-G-A. GRCh37 (hg19) VCF-style: chr1-197104357-G-A.
Other names: c.2042C>T, p.Pro681Leu (NM_001206846.2); short protein forms P681L.
Identifiers: ClinVar variation 874159 (VCV000874159.31), dbSNP rs753945250, ClinGen allele CA1310566.
Genomic context (GRCh38, chr1:197,135,227, plus strand): 5'-TGTTCCTGCTTTTCCTTCCAGCGTTCATCATAAAACATGTTTTTTGCAGCAAATGGCATC[G>A]GGTGTCTGGGAATATCTAAGAATACAATTAGGTTACTGCATAACAAAATTTCCTTTAACT-3'
Protein context (NP_060606.3, residues 671-691): KPLKTDIPRH[Pro681Leu]MPFAAKNMFY